The following is an entry in ClinVar:

ClinVar aggregate classification (germline): Conflicting classifications of pathogenicity. Review status: criteria provided, conflicting classifications (1 of 4 stars). 6 submissions from 3 submitters: Uncertain significance (4); Likely benign (2). Last evaluated 2025-01-13.

Conditions:
Retinitis pigmentosa (RP). Identifiers: Orphanet 791, MedGen C0035334, MeSH D012174, MONDO:0019200, OMIM 268000. Inheritance: Autosomal dominant, autosomal recessive and X linked inheritance.
Retinal macular dystrophy type 2 (MCDR2). Also called: Bull's eye macular dystrophy. Identifiers: Orphanet 319640, MedGen C4749334, MONDO:0011957, OMIM 608051.
Cone-rod dystrophy 12 (CORD12). Identifiers: Orphanet 1872, MedGen C2675210, MONDO:0012983, OMIM 612657.
Stargardt disease 4 (STGD4). Identifiers: Orphanet 827, MedGen C1863534, MONDO:0011370, OMIM 603786.

Allele frequency attached by ClinVar (database versions not stated): gnomAD 0.00004 and 0.00007; TOPMed 0.00004; ExAC 0.00007; gnomAD exomes 0.00009 and 0.00014; 1000 Genomes Project 30x 0.00016; 1000 Genomes Project 0.00020.
gnomAD v4.1: 215 of 1,609,614 alleles (0.013%); highest among the groups gnomAD compares: East Asian, 0.45%; 3 homozygotes.

Submissions (6):

Labcorp Genetics (formerly Invitae), Labcorp
Classification: Uncertain significance. Last evaluated: 2025-01-13. Review status: criteria provided, single submitter. Criteria: Invitae Variant Classification Sherloc (09022015). Collection method: clinical testing. Allele origin: germline.
Comment: This sequence change replaces leucine, which is neutral and non-polar, with proline, which is neutral and non-polar, at codon 400 of the PROM1 protein (p.Leu400Pro). This variant is present in population databases (rs140682455, gnomAD 0.1%). This variant has not been reported in the literature in individuals affected with PROM1-related conditions. ClinVar contains an entry for this variant (Variation ID: 391392). Invitae Evidence Modeling of protein sequence and biophysical properties (such as structural, functional, and spatial information, amino acid conservation, physicochemical variation, residue mobility, and thermodynamic stability) indicates that this missense variant is not expected to disrupt PROM1 protein function with a negative predictive value of 80%. In summary, the available evidence is currently insufficient to determine the role of this variant in disease. Therefore, it has been classified as a Variant of Uncertain Significance.

Illumina Laboratory Services, Illumina
Classification: Likely benign for Cone-rod dystrophy 12. Last evaluated: 2018-01-13. Review status: criteria provided, single submitter. Criteria: ICSL Variant Classification Criteria 13 December 2019. Collection method: clinical testing. Allele origin: germline.
Comment: This variant was observed in the ICSL laboratory as part of a predisposition screen in an ostensibly healthy population. It had not been previously curated by ICSL or reported in the Human Gene Mutation Database (HGMD: prior to June 1st, 2018), and was therefore a candidate for classification through an automated scoring system. Utilizing variant allele frequency, disease prevalence and penetrance estimates, and inheritance mode, an automated score was calculated to assess if this variant is too frequent to cause the disease. Based on the score and internal cut-off values, a variant classified as likely benign is not then subjected to further curation. The score for this variant resulted in a classification of likely benign for this disease.

Illumina Laboratory Services, Illumina
Classification: Uncertain significance for Retinal macular dystrophy type 2. Last evaluated: 2018-01-13. Review status: criteria provided, single submitter. Criteria: ICSL Variant Classification Criteria 13 December 2019. Collection method: clinical testing. Allele origin: germline.

Illumina Laboratory Services, Illumina
Classification: Uncertain significance for Retinitis pigmentosa. Last evaluated: 2018-01-13. Review status: criteria provided, single submitter. Criteria: ICSL Variant Classification Criteria 13 December 2019. Collection method: clinical testing. Allele origin: germline.

Illumina Laboratory Services, Illumina
Classification: Likely benign for Stargardt disease 4. Last evaluated: 2018-01-13. Review status: criteria provided, single submitter. Criteria: ICSL Variant Classification Criteria 13 December 2019. Collection method: clinical testing. Allele origin: germline.
Comment: the same text as in the submission from Illumina Laboratory Services, Illumina above.

GeneDx
Classification: Uncertain significance. Last evaluated: 2016-12-21. Review status: criteria provided, single submitter. Criteria: GeneDx Variant Classification (06012015). Collection method: clinical testing. Allele origin: germline. Affected: yes.
Comment: The L400P variant in the PROM1 gene has not been reported previously as a pathogenic variant, nor as a benign variant, to our knowledge. The L400P variant was not observed in approximately 6,000 individuals of European and African American ancestry in the NHLBI Exome Sequencing Project, indicating it is not a common benign variant in these populations. The L400P variant is a semi-conservative amino acid substitution, which may impact secondary protein structure as these residues differ in some properties. This substitution occurs at a position where amino acids with similar properties to Leucine are tolerated across species. In silico analysis is inconsistent in its predictions as to whether or not the variant is damaging to the protein structure/function. We interpret L400P as a variant of uncertain significance.

NM_006017.3(PROM1):c.1199T>C (p.Leu400Pro)

Gene: PROM1 (prominin 1; minus strand). Cytogenetic location: 4p15.32.
Variant type: single nucleotide variant.
Coding change: c.1199T>C on transcript NM_006017.3 (MANE Select); coding-DNA position 1199, T replaced by C.
Protein change: p.Leu400Pro; replaces leucine 400 with proline.
Molecular consequence: missense variant.
Genome position (GRCh38, 1-based): chr4:16,009,051, A>G on the plus strand (T>C on the coding strand, the complement: PROM1 is on the minus strand). VCF-style: chr4-16009051-A-G. GRCh37 (hg19) VCF-style: chr4-16010674-A-G.
Other names: c.1172T>C, p.Leu391Pro (NM_001145847.2, NM_001145848.2, NM_001145851.2 and 4 more transcripts); c.1199T>C, p.Leu400Pro (NM_001145849.2, NM_001145850.2); short protein forms L400P, L391P.
Identifiers: ClinVar variation 391392 (VCV000391392.13), dbSNP rs140682455, ClinGen allele CA2866836.